The following is an entry in ClinVar:

ClinVar aggregate classification (germline): Uncertain significance (1 of 4 stars; one submission).

Conditions:
Multiple endocrine neoplasia type 4. Also called: MULTIPLE ENDOCRINE NEOPLASIA, TYPE IV. Identifiers: Orphanet 276152, MedGen C1970712, MONDO:0012552, OMIM 610755.

Submission:

Labcorp Genetics (formerly Invitae), Labcorp
Classification: Uncertain significance for Multiple endocrine neoplasia type 4. Last evaluated: 2024-09-06. Review status: criteria provided, single submitter. Criteria: Invitae Variant Classification Sherloc (09022015). Collection method: clinical testing. Allele origin: germline.
Comment: This sequence change results in a frameshift in the CDKN1B gene (p.Arg152Serfs*49). While this is not anticipated to result in nonsense mediated decay, it is expected to disrupt the last 47 amino acid(s) of the CDKN1B protein and extend the protein by 2 additional amino acid residues. This variant is not present in population databases (gnomAD no frequency). This variant has not been reported in the literature in individuals affected with CDKN1B-related conditions. Experimental studies and prediction algorithms are not available or were not evaluated, and the functional significance of this variant is currently unknown. In summary, the available evidence is currently insufficient to determine the role of this variant in disease. Therefore, it has been classified as a Variant of Uncertain Significance.

NM_004064.5(CDKN1B):c.456_466del (p.Arg152fs)

Gene: CDKN1B (cyclin dependent kinase inhibitor 1B; plus strand). Cytogenetic location: 12p13.1.
Variant type: Deletion.
Coding change: c.456_466del on transcript NM_004064.5 (MANE Select); coding-DNA positions 456 to 466, 11 bases deleted (GAAGCGACCTG).
Protein change: p.Arg152fs; shifts the reading frame from arginine 152.
Molecular consequence: frameshift variant.
Genome position (GRCh38, 1-based): chr12:12,718,295-12,718,305, GAAGCGACCTG deleted; deleting any 11 consecutive bases within chr12:12,718,294-12,718,305 gives the same sequence; the c. name uses the placement nearest the transcript's 3' end. VCF-style (leftmost placement, unchanged base first): chr12-12718293-AGGAAGCGACCT-A. GRCh37 (hg19) VCF-style: chr12-12871227-AGGAAGCGACCT-A.
Other names: short protein forms R152fs.
Identifiers: ClinVar variation 3664848 (VCV003664848.2).
Genomic context (GRCh38, chr12:12,718,293, plus strand): 5'-GACCCAAAGACTGATCCGTCGGACAGCCAGACGGGGTTAGCGGAGCAATGCGCAGGAATA[AGGAAGCGACCT>A]GCAACCGACGGTAATGACCCTTTCCCAACCATAGAATGTGTTTGGGGCCCCGCTTTGCCT-3'